The following is an entry in ClinVar:

NM_004608.4(TBX6):c.172C>T (p.Arg58Cys)

Gene: TBX6 (T-box transcription factor 6; minus strand). Cytogenetic location: 16p11.2.
Variant type: single nucleotide variant.
Coding change: c.172C>T on transcript NM_004608.4 (MANE Select); coding-DNA position 172, C replaced by T.
Protein change: p.Arg58Cys; replaces arginine 58 with cysteine.
Molecular consequence: missense variant.
Genome position (GRCh38, 1-based): chr16:30,090,939, G>A on the plus strand (C>T on the coding strand, the complement: TBX6 is on the minus strand). VCF-style: chr16-30090939-G-A. GRCh37 (hg19) VCF-style: chr16-30102260-G-A.
Other names: c.172C>T (NM_004608.3); short protein forms R58C.
Identifiers: ClinVar variation 1019914 (VCV001019914.9), dbSNP rs371398869, ClinGen allele CA8001986.

ClinVar aggregate classification (germline): Uncertain significance. Review status: criteria provided, multiple submitters, no conflicts (2 of 4 stars). 2 submissions from 2 submitters: Uncertain significance (2). Last evaluated 2024-11-22.

Conditions:
Inborn genetic diseases. Identifiers: MedGen C0950123, MeSH D030342.

Allele frequency attached by ClinVar (database versions not stated): gnomAD exomes below 0.00001; ExAC 0.00001; TOPMed 0.00001; gnomAD 0.00002; ESP Exome Variant Server 0.00008.
gnomAD v4.1: 14 of 1,613,094 alleles (0.00087%); highest among the groups gnomAD compares: African/African-American, 0.0053%; no homozygotes.

Submissions (2):

Labcorp Genetics (formerly Invitae), Labcorp
Classification: Uncertain significance. Last evaluated: 2024-11-22. Review status: criteria provided, single submitter. Criteria: Invitae Variant Classification Sherloc (09022015). Collection method: clinical testing. Allele origin: germline.
Comment: This sequence change replaces arginine, which is basic and polar, with cysteine, which is neutral and slightly polar, at codon 58 of the TBX6 protein (p.Arg58Cys). The frequency data for this variant in the population databases is considered unreliable, as metrics indicate poor data quality at this position in the gnomAD database. This variant has not been reported in the literature in individuals affected with TBX6-related conditions. ClinVar contains an entry for this variant (Variation ID: 1019914). An algorithm developed to predict the effect of missense changes on protein structure and function outputs the following: PolyPhen-2: "Benign". The cysteine amino acid residue is found in multiple mammalian species, which suggests that this missense change does not adversely affect protein function. In summary, the available evidence is currently insufficient to determine the role of this variant in disease. Therefore, it has been classified as a Variant of Uncertain Significance.

Ambry Genetics
Classification: Uncertain significance for Inborn genetic diseases. Last evaluated: 2023-12-08. Review status: criteria provided, single submitter. Criteria: Ambry Variant Classification Scheme 2023. Collection method: clinical testing. Allele origin: germline.